The following is an entry in ClinVar:

NM_001999.4(FBN2):c.4949-18C>G

Gene: FBN2 (fibrillin 2; minus strand). Cytogenetic location: 5q23.3.
Variant type: single nucleotide variant.
Coding change: c.4949-18C>G on transcript NM_001999.4 (MANE Select); 18 bases into the intron before coding-DNA position 4949, C replaced by G.
Molecular consequence: intron variant.
Genome position (GRCh38, 1-based): chr5:128,311,443, G>C on the plus strand (C>G on the coding strand, the complement: FBN2 is on the minus strand). VCF-style: chr5-128311443-G-C. GRCh37 (hg19) VCF-style: chr5-127647135-G-C.
Identifiers: ClinVar variation 258519 (VCV000258519.11), dbSNP rs372234336, ClinGen allele CA3394818.
Genomic context (GRCh38, chr5:128,311,443, plus strand): 5'-CCACCCTGGCAGAGACCTGGTAACTCCTGGCATTCGTCAATGTCTACAAAAAGGGAGACA[G>C]TGCACTTAAAACAAACACCTTCACTAAGGATAAGAGTTAATATTAGAGCTTTCAAAAGTG-3'

ClinVar aggregate classification (germline): Benign/Likely benign. Review status: criteria provided, multiple submitters, no conflicts (2 of 4 stars). 4 submissions from 4 submitters: Benign (1); Likely benign (3). Last evaluated 2026-01-27.

Conditions:
Congenital contractural arachnodactyly (CCA). Also called: BEALS SYNDROME; Arthrogryposis, distal, type 9; Beals-Hecht syndrome. Identifiers: Orphanet 115, MedGen C0220668, MONDO:0007363, OMIM 121050.

Allele frequency attached by ClinVar (database versions not stated): gnomAD exomes 0.00006 and 0.00022; 1000 Genomes Project 30x 0.00016; 1000 Genomes Project 0.00020; ExAC 0.00028; TOPMed 0.00096; gnomAD 0.00099 and 0.00106; ESP Exome Variant Server 0.00100.
gnomAD v4.1: 240 of 1,613,294 alleles (0.015%); highest among the groups gnomAD compares: African/African-American, 0.3%; no homozygotes.

Submissions (4):

Labcorp Genetics (formerly Invitae), Labcorp
Classification: Benign for Congenital contractural arachnodactyly. Last evaluated: 2026-01-27. Review status: criteria provided, single submitter. Criteria: Invitae Variant Classification Sherloc (09022015). Collection method: clinical testing. Allele origin: germline.

Women's Health and Genetics/Laboratory Corporation of America, LabCorp
Classification: Likely benign. Last evaluated: 2025-07-05. Review status: criteria provided, single submitter. Criteria: LabCorp Variant Classification Summary - May 2015. Collection method: clinical testing. Allele origin: germline.

GeneDx
Classification: Likely benign. Last evaluated: 2017-12-05. Review status: criteria provided, single submitter. Criteria: GeneDx Variant Classification (06012015). Collection method: clinical testing. Allele origin: germline. Affected: yes.
Comment: This variant is considered likely benign or benign based on one or more of the following criteria: it is a conservative change, it occurs at a poorly conserved position in the protein, it is predicted to be benign by multiple in silico algorithms, and/or has population frequency not consistent with disease.

PreventionGenetics, part of Exact Sciences
Classification: Likely benign. Review status: criteria provided, single submitter. Criteria: ACMG Guidelines, 2015. Collection method: clinical testing. Allele origin: germline.